The following is an entry in ClinVar:

ClinVar aggregate classification (germline): Uncertain significance (1 of 4 stars; one submission).

Conditions:
Hereditary cancer-predisposing syndrome. Also called: Neoplastic Syndromes, Hereditary; Tumor predisposition; Hereditary Cancer Syndrome; Hereditary neoplastic syndrome. Identifiers: Orphanet 140162, MedGen C0027672, MeSH D009386, MONDO:0015356.

Submission:

Ambry Genetics
Classification: Uncertain significance for Hereditary cancer-predisposing syndrome. Last evaluated: 2024-12-03. Review status: criteria provided, single submitter. Criteria: Ambry Variant Classification Scheme 2023. Collection method: clinical testing. Allele origin: germline.
Comment: The p.D1211H variant (also known as c.3631G>C), located in coding exon 30 of the POLE gene, results from a G to C substitution at nucleotide position 3631. The aspartic acid at codon 1211 is replaced by histidine, an amino acid with similar properties. This amino acid position is conserved. In addition, the in silico prediction for this alteration is inconclusive. Based on the available evidence, the clinical significance of this variant remains unclear.

NM_006231.4(POLE):c.3631G>C (p.Asp1211His)

Gene: POLE (DNA polymerase epsilon, catalytic subunit; minus strand). Cytogenetic location: 12q24.33.
Variant type: single nucleotide variant.
Coding change: c.3631G>C on transcript NM_006231.4 (MANE Select); coding-DNA position 3631, G replaced by C.
Protein change: p.Asp1211His; replaces aspartic acid 1211 with histidine.
Molecular consequence: missense variant.
Genome position (GRCh38, 1-based): chr12:132,649,841, C>G on the plus strand (G>C on the coding strand, the complement: POLE is on the minus strand). VCF-style: chr12-132649841-C-G. GRCh37 (hg19) VCF-style: chr12-133226427-C-G.
Other names: short protein forms D1211H.
Identifiers: ClinVar variation 3422235 (VCV003422235.1).